The following is an entry in ClinVar:

NM_020821.3(VPS13C):c.7494A>G (p.Thr2498=)

Gene: VPS13C (vacuolar protein sorting 13 homolog C; minus strand). Cytogenetic location: 15q22.2.
Variant type: single nucleotide variant.
Coding change: c.7494A>G on transcript NM_020821.3 (MANE Select); coding-DNA position 7494, A replaced by G.
Protein change: p.Thr2498=; no amino-acid change (threonine 2498 retained).
Molecular consequence: synonymous variant.
Genome position (GRCh38, 1-based): chr15:61,919,433, T>C on the plus strand (A>G on the coding strand, the complement: VPS13C is on the minus strand). VCF-style: chr15-61919433-T-C. GRCh37 (hg19) VCF-style: chr15-62211632-T-C.
Other names: c.7494A>G, p.Thr2498= (NM_001018088.3); c.7365A>G, p.Thr2455= (NM_017684.5, NM_018080.4).
Identifiers: ClinVar variation 1610704 (VCV001610704.27), dbSNP rs373890764, ClinGen allele CA7595248.

ClinVar aggregate classification (germline): Likely benign. Review status: criteria provided, multiple submitters, no conflicts (2 of 4 stars). 2 submissions from 2 submitters: Likely benign (2). Last evaluated 2024-04-01.

Allele frequency attached by ClinVar (database versions not stated): ExAC 0.00001; gnomAD exomes 0.00003 and 0.00008; gnomAD 0.00005 and 0.00006; TOPMed 0.00008; ESP Exome Variant Server 0.00015.
gnomAD v4.1: 117 of 1,585,790 alleles (0.0074%); highest among the groups gnomAD compares: Non-Finnish European, 0.0096%; no homozygotes.

Submissions (2):

CeGaT Center for Human Genetics Tuebingen
Classification: Likely benign. Last evaluated: 2024-04-01. Review status: criteria provided, single submitter. Criteria: CeGaT Center For Human Genetics Tuebingen Variant Classification Criteria Version 2. Collection method: clinical testing. Allele origin: germline. Affected: yes. Observed: 1 variant allele.
Comment: VPS13C: BP4, BP7

Labcorp Genetics (formerly Invitae), Labcorp
Classification: Likely benign. Last evaluated: 2023-02-28. Review status: criteria provided, single submitter. Criteria: Invitae Variant Classification Sherloc (09022015). Collection method: clinical testing. Allele origin: germline.